The following is an entry in ClinVar:

NM_025137.4(SPG11):c.1698T>G (p.Asp566Glu)

Gene: SPG11 (SPG11 vesicle trafficking associated, spatacsin; minus strand). Cytogenetic location: 15q21.1.
Variant type: single nucleotide variant.
Coding change: c.1698T>G on transcript NM_025137.4 (MANE Select); coding-DNA position 1698, T replaced by G.
Protein change: p.Asp566Glu; replaces aspartic acid 566 with glutamic acid.
Molecular consequence: missense variant.
Genome position (GRCh38, 1-based): chr15:44,633,542, A>C on the plus strand (T>G on the coding strand, the complement: SPG11 is on the minus strand). VCF-style: chr15-44633542-A-C. GRCh37 (hg19) VCF-style: chr15-44925740-A-C.
Other names: c.1698T>G, p.Asp566Glu (NM_001160227.2); short protein forms D566E.
Identifiers: ClinVar variation 219609 (VCV000219609.36), dbSNP rs79708848, ClinGen allele CA350373.

ClinVar aggregate classification (germline): Conflicting classifications of pathogenicity. Review status: criteria provided, conflicting classifications (1 of 4 stars). 15 submissions from 14 submitters: Uncertain significance (1); Benign (7); Likely benign (3). 4 of the submissions do not count toward it. Last evaluated 2026-09-01.

Conditions:
Amyotrophic lateral sclerosis (ALS). Also called: Charcot disease; Lou Gehrig disease. Identifiers: Orphanet 803, MedGen C0002736, MONDO:0004976, HP:0007354.
Hereditary spastic paraplegia. Also called: Familial spastic paraparesis. Identifiers: Orphanet 685, MedGen C0037773, MONDO:0019064. Disease mechanism: loss of function.
Hereditary spastic paraplegia 11. Also called: SPASTIC PARAPLEGIA, AUTOSOMAL RECESSIVE, COMPLICATED, WITH THIN CORPUS CALLOSUM; SPASTIC PARAPLEGIA, AUTOSOMAL RECESSIVE, WITH MENTAL IMPAIRMENT AND THIN CORPUS CALLOSUM; Spastic Paraplegia 11; Nakamura Osame syndrome; Autosomal recessive hereditary spastic paraplegia, mental impairment, and thin corpus callosum; Spastic paraplegia, mental retardation and thin corpus callosum. Identifiers: Orphanet 2822, MedGen C1858479, MONDO:0011445, OMIM 604360.

Allele frequency attached by ClinVar (database versions not stated): 1000 Genomes Project 30x 0.00515; 1000 Genomes Project 0.00519; TOPMed 0.01073; gnomAD exomes 0.01096; ExAC 0.01146; gnomAD 0.01180 and 0.01235; ESP Exome Variant Server 0.01332.
gnomAD v4.1: 26,052 of 1,609,150 alleles (1.6%); highest among the groups gnomAD compares: Non-Finnish European, 2%; 286 homozygotes.

Submissions (15):

CeGaT Center for Human Genetics Tuebingen
Classification: Benign. Last evaluated: 2026-09-01. Review status: criteria provided, single submitter. Criteria: CeGaT Center For Human Genetics Tuebingen Variant Classification Criteria Version 2. Collection method: clinical testing. Allele origin: germline. Affected: yes. Observed: 73 variant alleles.
Comment: SPG11: BP4, BS1, BS2

Labcorp Genetics (formerly Invitae), Labcorp
Classification: Benign for Hereditary spastic paraplegia 11. Last evaluated: 2026-02-04. Review status: criteria provided, single submitter. Criteria: Invitae Variant Classification Sherloc (09022015). Collection method: clinical testing. Allele origin: germline.

Dasa
Classification: Likely benign. Last evaluated: 2025-10-29. Review status: criteria provided, single submitter. Criteria: DASA Assertion Criteria. Collection method: clinical testing. Allele origin: germline.
Comment: NM_025137.4(SPG11):c.1698T>G (p.Asp566Glu) is a missense variant that results in the substitution of aspartic acid with glutamic acid. Multiple computational predictions suggest no deleterious effect on the gene or gene product. Based on the available data, this variant is classified as likely benign.

Women's Health and Genetics/Laboratory Corporation of America, LabCorp
Classification: Likely benign. Last evaluated: 2021-12-10. Review status: criteria provided, single submitter. Criteria: LabCorp Variant Classification Summary - May 2015. Collection method: clinical testing. Allele origin: germline.

Genome Diagnostics Laboratory, The Hospital for Sick Children
Classification: Benign for Hereditary spastic paraplegia. Last evaluated: 2021-03-13. Review status: criteria provided, single submitter. Criteria: ACMG Guidelines, 2015. Collection method: clinical testing. Allele origin: germline. Affected: yes.

UM ALS/MND Lab, University Of Malta
Classification: Uncertain significance for Amyotrophic lateral sclerosis. Last evaluated: 2020-09-09. Review status: criteria provided, single submitter. Criteria: ACMG Guidelines, 2015. Collection method: case-control. Allele origin: unknown. Affected: yes. Observed: 1 variant allele.
Comment: Single heterozygote

Illumina Laboratory Services, Illumina
Classification: Likely benign for Hereditary spastic paraplegia 11. Last evaluated: 2018-01-12. Review status: criteria provided, single submitter. Criteria: ICSL Variant Classification Criteria 13 December 2019. Collection method: clinical testing. Allele origin: germline.
Comment: This variant was observed in the ICSL laboratory as part of a predisposition screen in an ostensibly healthy population. It had not been previously curated by ICSL or reported in the Human Gene Mutation Database (HGMD: prior to June 1st, 2018), and was therefore a candidate for classification through an automated scoring system. Utilizing variant allele frequency, disease prevalence and penetrance estimates, and inheritance mode, an automated score was calculated to assess if this variant is too frequent to cause the disease. Based on the score and internal cut-off values, a variant classified as likely benign is not then subjected to further curation. The score for this variant resulted in a classification of likely benign for this disease.

Athena Diagnostics
Classification: Benign. Last evaluated: 2017-08-02. Review status: criteria provided, single submitter. Criteria: Athena Diagnostics Criteria. Collection method: clinical testing. Allele origin: germline.

GeneDx
Classification: Benign. Last evaluated: 2016-08-08. Review status: criteria provided, single submitter. Criteria: GeneDx Variant Classification (06012015). Collection method: clinical testing. Allele origin: germline. Affected: yes.
Comment: This variant is considered likely benign or benign based on one or more of the following criteria: it is a conservative change, it occurs at a poorly conserved position in the protein, it is predicted to be benign by multiple in silico algorithms, and/or has population frequency not consistent with disease.

Mayo Clinic Laboratories, Mayo Clinic
Classification: Benign. Last evaluated: 2016-06-08. Review status: criteria provided, single submitter. Criteria: ACMG Guidelines, 2015. Collection method: clinical testing. Allele origin: germline. Observed: 107 variant alleles.

Genome Diagnostics Laboratory, University Medical Center Utrecht
Classification: Benign for Hereditary spastic paraplegia 11. Last evaluated: 2014-10-09. Review status: criteria provided, single submitter. Criteria: ACGS Guidelines, 2013. Collection method: clinical testing. Allele origin: germline. Affected: yes. Study: VKGL Data-share Consensus.

Genome Diagnostics Laboratory, Amsterdam University Medical Center
Classification: Likely benign for Hereditary spastic paraplegia 11. Last evaluated: 2016-12-02. Review status: no assertion criteria provided. Criteria: ACGS Guidelines, 2013. Collection method: clinical testing. Allele origin: germline. Affected: yes. Study: VKGL Data-share Consensus. Not counted in ClinVar's aggregate classification.

Clinical Genetics, Academic Medical Center
Classification: Benign. Review status: no assertion criteria provided. Collection method: clinical testing. Allele origin: germline. Affected: yes. Study: VKGL Data-share Consensus. Not counted in ClinVar's aggregate classification.

Genome Diagnostics Laboratory, Amsterdam University Medical Center
Classification: Benign. Review status: no assertion criteria provided. Collection method: clinical testing. Allele origin: germline. Affected: yes. Study: VKGL Data-share Consensus. Not counted in ClinVar's aggregate classification.

Joint Genome Diagnostic Labs from Nijmegen and Maastricht, Radboudumc and MUMC+
Classification: Benign. Review status: no assertion criteria provided. Collection method: clinical testing. Allele origin: germline. Affected: yes. Study: VKGL Data-share Consensus. Not counted in ClinVar's aggregate classification.

Literature cited by the submitters: PubMed 28130640 (cited by Athena Diagnostics).